The following is an entry in ClinVar:

ClinVar aggregate classification (germline): Uncertain significance (1 of 4 stars; one submission).

Conditions:
Inborn genetic diseases. Identifiers: MedGen C0950123, MeSH D030342.

Submission:

Ambry Genetics
Classification: Uncertain significance for Inborn genetic diseases. Last evaluated: 2025-04-25. Review status: criteria provided, single submitter. Criteria: Ambry Variant Classification Scheme 2023. Collection method: clinical testing. Allele origin: germline.
Comment: The p.M1861R variant (also known as c.5582T>G), located in coding exon 21 of the FANCM gene, results from a T to G substitution at nucleotide position 5582. The methionine at codon 1861 is replaced by arginine, an amino acid with similar properties. This amino acid position is conserved. In addition, the in silico prediction for this alteration is inconclusive. Based on the available evidence, the clinical significance of this variant remains unclear.

NM_020937.4(FANCM):c.5582T>G (p.Met1861Arg)

Gene: FANCM (FA complementation group M; plus strand). Cytogenetic location: 14q21.2.
Variant type: single nucleotide variant.
Coding change: c.5582T>G on transcript NM_020937.4 (MANE Select); coding-DNA position 5582, T replaced by G.
Protein change: p.Met1861Arg; replaces methionine 1861 with arginine.
Molecular consequence: missense variant.
Genome position (GRCh38, 1-based): chr14:45,196,413, T>G. VCF-style: chr14-45196413-T-G. GRCh37 (hg19) VCF-style: chr14-45665616-T-G.
Other names: c.5504T>G, p.Met1835Arg (NM_001308133.2); short protein forms M1861R, M1835R.
Identifiers: ClinVar variation 4022722 (VCV004022722.1).